The following is an entry in ClinVar:

ClinVar aggregate classification (germline): Benign. Review status: reviewed by expert panel (3 of 4 stars). 16 submissions from 16 submitters: Benign (1). 15 of the submissions do not count toward it. Last evaluated 2015-08-10.

Conditions:
BRCA2-related cancer predisposition. Identifiers: MedGen CN377758, MONDO:0700269.
BRCA2-related disorder. Also called: BRCA2-related condition; BRCA2-related disorders. Identifiers: MedGen CN239275.
Hereditary cancer-predisposing syndrome. Also called: Hereditary neoplastic syndrome; Tumor predisposition; Hereditary Cancer Syndrome; Neoplastic Syndromes, Hereditary. Identifiers: Orphanet 140162, MedGen C0027672, MeSH D009386, MONDO:0015356.
Hereditary breast ovarian cancer syndrome. Also called: Breast and ovarian cancer; Hereditary breast and/or ovarian cancer syndrome; BRCA1- and BRCA2-Associated Hereditary Breast and Ovarian Cancer; Hereditary breast and ovarian cancer syndrome; Hereditary breast and ovarian cancer; Hereditary breast and ovarian cancer syndrome (HBOC). Identifiers: Orphanet 145, MedGen C0677776, MeSH D061325, MONDO:0003582. Disease mechanism: loss of function.
Breast-ovarian cancer, familial, susceptibility to, 2 (BROVCA2). Also called: BRCA2 Hereditary Breast and Ovarian Cancer. Identifiers: Orphanet 145, MedGen C2675520, MONDO:0012933, OMIM 612555. Disease mechanism: loss of function.

Allele frequency attached by ClinVar (database versions not stated): ExAC 0.00002; gnomAD 0.00002; gnomAD exomes 0.00002 and 0.00005; TOPMed 0.00002.

Submissions (16):

Evidence-based Network for the Interpretation of Germline Mutant Alleles (ENIGMA)
Classification: Benign for Breast-ovarian cancer, familial 2. Last evaluated: 2015-08-10. Review status: reviewed by expert panel. Criteria: ENIGMA BRCA1/2 Classification Criteria (2015). Collection method: curation. Allele origin: germline.
Comment: IARC class based on posterior probability from multifactorial likelihood analysis, thresholds for class as per Plon et al. 2008 (PMID: 18951446). Class 1 based on posterior probability = 0.00000306

Labcorp Genetics (formerly Invitae), Labcorp
Classification: Likely benign for Hereditary breast ovarian cancer syndrome. Last evaluated: 2026-01-19. Review status: criteria provided, single submitter. Criteria: Invitae Variant Classification Sherloc (09022015). Collection method: clinical testing. Allele origin: germline. Not counted in ClinVar's aggregate classification.

Women's Health and Genetics/Laboratory Corporation of America, LabCorp
Classification: Likely benign. Last evaluated: 2025-07-14. Review status: criteria provided, single submitter. Criteria: LabCorp Variant Classification Summary - May 2015. Collection method: clinical testing. Allele origin: germline. Not counted in ClinVar's aggregate classification.
Comment: Variant summary: BRCA2 c.167A>C (p.Asn56Thr) results in a non-conservative amino acid change located in the Transcriptional activation domain of the encoded protein sequence. Algorithms developed to predict the effect of missense changes on protein structure and function are either unavailable or do not agree on the potential impact of this missense change. The variant allele was found at a frequency of 2e-05 in 251372 control chromosomes (gnomAD). The available data on variant occurrences in the general population are insufficient to allow any conclusion about variant significance. c.167A>C has been observed in individuals affected with Breast Cancer or Prostate Cancer as well as in disease free controls (e.g., Dorling_2021, Kote-Jarai_2011). These reports do not provide unequivocal conclusions about association of the variant with Hereditary Breast And Ovarian Cancer Syndrome. One co-occurrence with another pathogenic variant has been seen in our lab (BRCA2 c.1189_1190insTTAG, p.Q397fs*25), providing supporting evidence for a benign role. The variant has an IARC rating of 1 based on posterior probability from multifactorial likelihood analysis, indicating it is benign (ENIGMA). To our knowledge, no experimental evidence demonstrating an impact on protein function has been reported. The following publications have been ascertained in the context of this evaluation (PMID: 17924331, 21952622, 24323938, 10882858, 33471991). ClinVar contains an entry for this variant (Variation ID: 37751). Based on the evidence outlined above, the variant was classified as likely benign.

PreventionGenetics, part of Exact Sciences
Classification: Likely benign for BRCA2-related condition. Last evaluated: 2025-04-23. Review status: criteria provided, single submitter. Criteria: ACMG Guidelines, 2015. Collection method: clinical testing. Allele origin: germline. Not counted in ClinVar's aggregate classification.
Comment: This variant is classified as likely benign based on ACMG/AMP sequence variant interpretation guidelines (Richards et al. 2015 PMID: 25741868, with internal and published modifications).

Center for Genomic Medicine, Rigshospitalet, Copenhagen University Hospital
Classification: Benign. Last evaluated: 2025-03-04. Review status: criteria provided, single submitter. Criteria: ACMG Guidelines, 2015. Collection method: clinical testing. Allele origin: germline. Not counted in ClinVar's aggregate classification.

Department of Pathology and Laboratory Medicine, Sinai Health System
Classification: Likely benign for BRCA2-related cancer predisposition. Last evaluated: 2024-02-21. Review status: criteria provided, single submitter. Criteria: ACMG Guidelines, 2015. Collection method: clinical testing. Allele origin: germline. Affected: yes. Not counted in ClinVar's aggregate classification.

All of Us Research Program, National Institutes of Health
Classification: Likely benign for Breast-ovarian cancer, familial, susceptibility to, 2. Last evaluated: 2024-01-11. Review status: criteria provided, single submitter. Criteria: ACMG Guidelines, 2015. Collection method: clinical testing. Allele origin: germline. Inheritance: Autosomal dominant inheritance. Observed: 6 variant alleles, 6 heterozygotes. Not counted in ClinVar's aggregate classification.
Comment: This study involves interpretation of variants in research participants for the purpose of population health screening. Participant phenotype was not available at the time of variant classification. Additional details can be found in publication PMID: 35346344, PMCID: PMC8962531

Sema4
Classification: Likely benign for Hereditary cancer-predisposing syndrome. Last evaluated: 2021-10-07. Review status: criteria provided, single submitter. Criteria: Sema4 Curation Guidelines. Collection method: curation. Allele origin: germline. Not counted in ClinVar's aggregate classification.

Blueprint Genetics
Classification: Likely benign. Last evaluated: 2021-05-26. Review status: criteria provided, single submitter. Criteria: ACMG Guidelines, 2015. Collection method: clinical testing. Allele origin: germline. Not counted in ClinVar's aggregate classification.

GeneDx
Classification: Likely benign. Last evaluated: 2021-01-28. Review status: criteria provided, single submitter. Criteria: GeneDx Variant Classification Process June 2021. Collection method: clinical testing. Allele origin: germline. Affected: yes. Not counted in ClinVar's aggregate classification.
Comment: This variant is associated with the following publications: (PMID: 28866612, 24323938, 21952622, 21990134, 17924331, 26898890, 32123317)

Quest Diagnostics Nichols Institute San Juan Capistrano
Classification: Likely benign. Last evaluated: 2019-07-30. Review status: criteria provided, single submitter. Criteria: Quest Diagnostics criteria. Collection method: clinical testing. Allele origin: germline. Not counted in ClinVar's aggregate classification.

Color Diagnostics, LLC DBA Color Health
Classification: Likely benign for Hereditary cancer-predisposing syndrome. Last evaluated: 2017-07-25. Review status: criteria provided, single submitter. Criteria: ACMG Guidelines, 2015. Collection method: clinical testing. Allele origin: germline. Not counted in ClinVar's aggregate classification.

Ambry Genetics
Classification: Benign for Hereditary cancer-predisposing syndrome. Last evaluated: 2014-11-19. Review status: criteria provided, single submitter. Criteria: Ambry Variant Classification Scheme 2023. Collection method: clinical testing. Allele origin: germline. Not counted in ClinVar's aggregate classification.

BRCAlab, Lund University
Classification: Benign for Breast-ovarian cancer, familial, susceptibility to, 2. Last evaluated: 2020-03-02. Review status: no assertion criteria provided. Collection method: clinical testing. Allele origin: germline. Affected: yes. Not counted in ClinVar's aggregate classification.

Sharing Clinical Reports Project (SCRP)
Classification: Likely benign for Breast-ovarian cancer, familial 2. Last evaluated: 2011-02-09. Review status: no assertion criteria provided. Collection method: clinical testing. Allele origin: germline. Not counted in ClinVar's aggregate classification.

Breast Cancer Information Core (BIC) (BRCA2)
Classification: Uncertain significance for Breast-ovarian cancer, familial 2. Last evaluated: 2002-05-29. Review status: no assertion criteria provided. Collection method: clinical testing. Allele origin: germline. Affected: yes. Observed: 8 variant alleles. Not counted in ClinVar's aggregate classification.

Literature cited by the submitters: PubMed 21990134 (cited by Evidence-based Network for the Interpretation of Germline Mutant Alleles (ENIGMA) and Quest Diagnostics Nichols Institute San Juan Capistrano); PubMed 17924331 (cited by 3 submitters); PubMed 21952622 (cited by Women's Health and Genetics/Laboratory Corporation of America, LabCorp); PubMed 24323938 (cited by Women's Health and Genetics/Laboratory Corporation of America, LabCorp and Quest Diagnostics Nichols Institute San Juan Capistrano); PubMed 10882858 (cited by Women's Health and Genetics/Laboratory Corporation of America, LabCorp and Quest Diagnostics Nichols Institute San Juan Capistrano); PubMed 33471991 (cited by Women's Health and Genetics/Laboratory Corporation of America, LabCorp and Department of Pathology and Laboratory Medicine, Sinai Health System); PubMed 35979650 (cited by Department of Pathology and Laboratory Medicine, Sinai Health System).

NM_000059.4(BRCA2):c.167A>C (p.Asn56Thr)

Gene: BRCA2 (BRCA2 DNA repair associated; plus strand). Cytogenetic location: 13q13.1.
Variant type: single nucleotide variant.
Coding change: c.167A>C on transcript NM_000059.4 (MANE Select); coding-DNA position 167, A replaced by C.
Protein change: p.Asn56Thr; replaces asparagine 56 with threonine.
Molecular consequence: missense variant.
Genome position (GRCh38, 1-based): chr13:32,319,176, A>C. VCF-style: chr13-32319176-A-C. GRCh37 (hg19) VCF-style: chr13-32893313-A-C.
Other names: p.N56T:AAT>ACT; 395A>C; short protein forms N56T.
Identifiers: ClinVar variation 37751 (VCV000037751.30), dbSNP rs80358454, ClinGen allele CA012889.
Genomic context (GRCh38, chr13:32,319,176, plus strand): 5'-CTTCAGAAGCTCCACCCTATAATTCTGAACCTGCAGAAGAATCTGAACATAAAAACAACA[A>C]TTACGAACCAAACCTATTTAAAACTCCACAAAGGAAACCATCTTATAATCAGCTGGCTTC-3'
Protein context (NP_000050.3, residues 46-66): PAEESEHKNN[Asn56Thr]YEPNLFKTPQ